The following is an entry in ClinVar:

ClinVar aggregate classification (germline): Likely pathogenic (1 of 4 stars; one submission).

Conditions:
Hearing loss, autosomal dominant 84. Also called: DEAFNESS, AUTOSOMAL DOMINANT 84. Identifiers: MedGen C5676952, MONDO:0030724, OMIM 619810.

Submission:

3billion
Classification: Likely pathogenic for Hearing loss, autosomal dominant 84. Last evaluated: 2023-02-23. Review status: criteria provided, single submitter. Criteria: ACMG Guidelines, 2015. Collection method: clinical testing. Allele origin: unknown. Affected: yes.
Comment: The variant is not observed in the gnomAD v2.1.1 dataset. This variant was predicted to result in a loss or disruption of normal protein function through nonsense-mediated decay (NMD) or protein truncation. Multiple pathogenic variants are reported downstream of the variant. Therefore, this variant is classified as Likely pathogenic according to the recommendation of ACMG/AMP guideline.

NM_015205.3(ATP11A):c.3044_3045del (p.Thr1015fs)

Gene: ATP11A (ATPase phospholipid transporting 11A; plus strand). Cytogenetic location: 13q34.
Variant type: Microsatellite.
Coding change: c.3044_3045del on transcript NM_015205.3 (MANE Select); coding-DNA positions 3044 to 3045, 2 bases deleted (CA; older notation c.3044_3045delCA).
Protein change: p.Thr1015fs; shifts the reading frame from threonine 1015.
Molecular consequence: frameshift variant.
Genome position (GRCh38, 1-based): chr13:112,871,787-112,871,788, CA deleted; deleting any 2 consecutive bases within chr13:112,871,785-112,871,788 gives the same sequence; the c. name uses the placement nearest the transcript's 3' end. VCF-style (leftmost placement, unchanged base first): chr13-112871784-TCA-T. GRCh37 (hg19) VCF-style: chr13-113526098-TCA-T.
Other names: c.3042_3043CA[1], p.Thr1015Serfs (NM_001405661.1, NM_001405662.1, NM_001405663.1); c.3044_3045del, p.Thr1015fs (NM_032189.4); short protein forms T1015fs.
Identifiers: ClinVar variation 2444276 (VCV002444276.1), dbSNP rs2502119435, ClinGen allele CA2580616543.